The following is an entry in ClinVar:

NM_001385.3(DPYS):c.1040A>G (p.Asn347Ser)

Gene: DPYS (dihydropyrimidinase; minus strand). Cytogenetic location: 8q22.3.
Variant type: single nucleotide variant.
Coding change: c.1040A>G on transcript NM_001385.3 (MANE Select); coding-DNA position 1040, A replaced by G.
Protein change: p.Asn347Ser; replaces asparagine 347 with serine.
Molecular consequence: missense variant.
Genome position (GRCh38, 1-based): chr8:104,428,032, T>C on the plus strand (A>G on the coding strand, the complement: DPYS is on the minus strand). VCF-style: chr8-104428032-T-C. GRCh37 (hg19) VCF-style: chr8-105440260-T-C.
Other names: c.1040A>G (NM_001385.2); short protein forms N347S.
Identifiers: ClinVar variation 2187356 (VCV002187356.5), dbSNP rs369563670, ClinGen allele CA4838387.

ClinVar aggregate classification (germline): Uncertain significance. Review status: criteria provided, multiple submitters, no conflicts (2 of 4 stars). 2 submissions from 2 submitters: Uncertain significance (2). Last evaluated 2025-02-10.

Conditions:
Inborn genetic diseases. Identifiers: MedGen C0950123, MeSH D030342.

Allele frequency attached by ClinVar (database versions not stated): gnomAD exomes 0.00001; ExAC 0.00002; gnomAD 0.00003; TOPMed 0.00003; ESP Exome Variant Server 0.00008.
gnomAD v4.1: 20 of 1,614,086 alleles (0.0012%); highest among the groups gnomAD compares: African/African-American, 0.0093%; no homozygotes.

Submissions (2):

Labcorp Genetics (formerly Invitae), Labcorp
Classification: Uncertain significance. Last evaluated: 2025-02-10. Review status: criteria provided, single submitter. Criteria: Invitae Variant Classification Sherloc (09022015). Collection method: clinical testing. Allele origin: germline.
Comment: This sequence change replaces asparagine, which is neutral and polar, with serine, which is neutral and polar, at codon 347 of the DPYS protein (p.Asn347Ser). This variant is present in population databases (rs369563670, gnomAD 0.02%). This variant has not been reported in the literature in individuals affected with DPYS-related conditions. ClinVar contains an entry for this variant (Variation ID: 2187356). Invitae Evidence Modeling of protein sequence and biophysical properties (such as structural, functional, and spatial information, amino acid conservation, physicochemical variation, residue mobility, and thermodynamic stability) indicates that this missense variant is not expected to disrupt DPYS protein function with a negative predictive value of 80%. In summary, the available evidence is currently insufficient to determine the role of this variant in disease. Therefore, it has been classified as a Variant of Uncertain Significance.

Ambry Genetics
Classification: Uncertain significance for Inborn genetic diseases. Last evaluated: 2022-11-07. Review status: criteria provided, single submitter. Criteria: Ambry Variant Classification Scheme 2023. Collection method: clinical testing. Allele origin: germline.